The following is an entry in ClinVar:

NM_001395656.1(ROBO2):c.1252G>C (p.Asp418His)

Gene: ROBO2 (roundabout guidance receptor 2; plus strand). Cytogenetic location: 3p12.3.
Variant type: single nucleotide variant.
Coding change: c.1252G>C on transcript NM_001395656.1 (MANE Select); coding-DNA position 1252, G replaced by C.
Protein change: p.Asp418His; replaces aspartic acid 418 with histidine.
Molecular consequence: missense variant. On other transcripts: 5 prime UTR variant (1).
Genome position (GRCh38, 1-based): chr3:77,557,952, G>C. VCF-style: chr3-77557952-G-C. GRCh37 (hg19) VCF-style: chr3-77607103-G-C.
Other names: c.1288G>C, p.Asp430His (NM_001128929.3); c.1252G>C, p.Asp418His (NM_001290039.2, NM_001290040.2, NM_001378202.1); c.-679G>C (NM_001290065.2); c.1300G>C, p.Asp434His (NM_001378190.1, NM_001378191.1, NM_001378195.1 and 4 more transcripts); c.1321G>C, p.Asp441His (NM_001378192.1, NM_001378194.1, NM_001378198.1 and 2 more transcripts); c.1240G>C, p.Asp414His (NM_001378193.1, NM_001378197.1, NM_002942.5); c.1309G>C, p.Asp437His (NM_001394212.1, NM_001394214.1, NM_001395657.1); short protein forms D414H, D418H, D430H, D434H, D437H, D441H.
Identifiers: ClinVar variation 3252374 (VCV003252374.1), dbSNP rs1582930642.

ClinVar aggregate classification (germline): Uncertain significance (1 of 4 stars; one submission).

Allele frequency attached by ClinVar (database versions not stated): 1000 Genomes Project 30x 0.00016.

Submission:

GeneDx
Classification: Uncertain significance. Last evaluated: 2023-12-07. Review status: criteria provided, single submitter. Criteria: GeneDx Variant Classification Process June 2021. Collection method: clinical testing. Allele origin: germline. Affected: yes.
Comment: Not observed at significant frequency in large population cohorts (gnomAD); In silico analysis supports that this missense variant has a deleterious effect on protein structure/function; Has not been previously published as pathogenic or benign to our knowledge